The following is an entry in ClinVar:

ClinVar aggregate classification (germline): Likely benign. Review status: criteria provided, single submitter (1 of 4 stars). 2 submissions from 2 submitters: Likely benign (1). 1 of the submissions does not count toward it. Last evaluated 2021-08-15.

Allele frequency attached by ClinVar (database versions not stated): gnomAD 0.00001.
gnomAD v4.1: 1 of 1,614,072 alleles (0.000062%); highest among the groups gnomAD compares: African/African-American, 0.0013%; no homozygotes.

Submissions (2):

Labcorp Genetics (formerly Invitae), Labcorp
Classification: Likely benign. Last evaluated: 2021-08-15. Review status: criteria provided, single submitter. Criteria: Invitae Variant Classification Sherloc (09022015). Collection method: clinical testing. Allele origin: germline.

Human Evolutionary Genetics, Institut Pasteur
No classification provided. Review status: no classification provided. Collection method: not provided. Allele origin: germline. Not counted in ClinVar's aggregate classification.
ClinVar note: Converted during submission from untested to not provided.

NM_033004.4(NLRP1):c.3186T>G (p.Pro1062=)

Gene: NLRP1 (NLR family pyrin domain containing 1; minus strand). Cytogenetic location: 17p13.2.
Variant type: single nucleotide variant.
Coding change: c.3186T>G on transcript NM_033004.4 (MANE Select); coding-DNA position 3186, T replaced by G.
Protein change: p.Pro1062=; no amino-acid change (proline 1062 retained).
Molecular consequence: synonymous variant.
Genome position (GRCh38, 1-based): chr17:5,532,932, A>C on the plus strand (T>G on the coding strand, the complement: NLRP1 is on the minus strand). VCF-style: chr17-5532932-A-C. GRCh37 (hg19) VCF-style: chr17-5436252-A-C.
Other names: c.3198T>G, p.Pro1066= (NM_001033053.3); c.3186T>G, p.Pro1062= (NM_014922.5); c.3096T>G, p.Pro1032= (NM_033006.4, NM_033007.4).
Identifiers: ClinVar variation 103022 (VCV000103022.9), dbSNP rs199475703, ClinGen allele CA018481.
Genomic context (GRCh38, chr17:5,532,932, plus strand): 5'-GGGGCCCCAGAAGTCATCGTCAGTCCCCAAAGGCTTCGTATGCAGGTCCCCTTGAGAGGC[A>C]GGAGAAGGCACGCACAAGAGTTCCACCGGTACTACCTCTGGGGAGCTTTCCTCTGAAACA-3'
Protein context (NP_127497.1, residues 1052-1072): VPVELLCVPS[Pro1062=]ASQGDLHTKP